The following is an entry in ClinVar:

NM_005045.4(RELN):c.7742A>G (p.Tyr2581Cys)

Gene: RELN (reelin; minus strand). Cytogenetic location: 7q22.1.
Variant type: single nucleotide variant.
Coding change: c.7742A>G on transcript NM_005045.4 (MANE Select); coding-DNA position 7742, A replaced by G.
Protein change: p.Tyr2581Cys; replaces tyrosine 2581 with cysteine.
Molecular consequence: missense variant.
Genome position (GRCh38, 1-based): chr7:103,519,443, T>C on the plus strand (A>G on the coding strand, the complement: RELN is on the minus strand). VCF-style: chr7-103519443-T-C. GRCh37 (hg19) VCF-style: chr7-103159890-T-C.
Other names: c.7742A>G, p.Tyr2581Cys (NM_173054.3); short protein forms Y2581C.
Identifiers: ClinVar variation 2073844 (VCV002073844.4), dbSNP rs746033703, ClinGen allele CA368765108.

ClinVar aggregate classification (germline): Uncertain significance (1 of 4 stars; one submission).

Conditions:
Norman-Roberts syndrome (LIS2). Also called: Lissencephaly 2 (Norman-Roberts type). Identifiers: Orphanet 89844, MedGen C0796089, MONDO:0009760, OMIM 257320.
Familial temporal lobe epilepsy 7. Identifiers: Orphanet 101046, MedGen C4225327, MONDO:0014639, OMIM 616436.

gnomAD v4.1: 8 of 1,613,380 alleles (0.0005%); highest among the groups gnomAD compares: Non-Finnish European, 0.00068%; no homozygotes.

Submission:

Labcorp Genetics (formerly Invitae), Labcorp
Classification: Uncertain significance for Familial temporal lobe epilepsy 7; Norman-Roberts syndrome. Last evaluated: 2025-03-11. Review status: criteria provided, single submitter. Criteria: Invitae Variant Classification Sherloc (09022015). Collection method: clinical testing. Allele origin: germline.
Comment: This sequence change replaces tyrosine, which is neutral and polar, with cysteine, which is neutral and slightly polar, at codon 2581 of the RELN protein (p.Tyr2581Cys). This variant is not present in population databases (gnomAD no frequency). This variant has not been reported in the literature in individuals affected with RELN-related conditions. ClinVar contains an entry for this variant (Variation ID: 2073844). Invitae Evidence Modeling of protein sequence and biophysical properties (such as structural, functional, and spatial information, amino acid conservation, physicochemical variation, residue mobility, and thermodynamic stability) indicates that this missense variant is not expected to disrupt RELN protein function with a negative predictive value of 80%. In summary, the available evidence is currently insufficient to determine the role of this variant in disease. Therefore, it has been classified as a Variant of Uncertain Significance.